The following is an entry in ClinVar:

NM_024408.4(NOTCH2):c.5924A>C (p.Asp1975Ala)

Gene: NOTCH2 (notch receptor 2; minus strand). Cytogenetic location: 1p12.
Variant type: single nucleotide variant.
Coding change: c.5924A>C on transcript NM_024408.4 (MANE Select); coding-DNA position 5924, A replaced by C.
Protein change: p.Asp1975Ala; replaces aspartic acid 1975 with alanine.
Molecular consequence: missense variant.
Genome position (GRCh38, 1-based): chr1:119,918,411, T>G on the plus strand (A>C on the coding strand, the complement: NOTCH2 is on the minus strand). VCF-style: chr1-119918411-T-G. GRCh37 (hg19) VCF-style: chr1-120461034-T-G.
Other names: short protein forms D1975A.
Identifiers: ClinVar variation 3040140 (VCV003040140.2), dbSNP rs1649162178, ClinGen allele CA341882289.

ClinVar aggregate classification (germline): Uncertain significance (0 of 4 stars; one submission).

Conditions:
NOTCH2-related disorder. Also called: NOTCH2-related condition.

Allele frequency attached by ClinVar (database versions not stated): TOPMed 0.00001.

Submission:

PreventionGenetics, part of Exact Sciences
Classification: Uncertain significance for NOTCH2-related condition. Last evaluated: 2023-11-22. Review status: no assertion criteria provided. Collection method: clinical testing. Allele origin: germline.
Comment: The NOTCH2 c.5924A>C variant is predicted to result in the amino acid substitution p.Asp1975Ala. To our knowledge, this variant has not been reported in the literature or in a large population database, indicating this variant is rare. At this time, the clinical significance of this variant is uncertain due to the absence of conclusive functional and genetic evidence.